The following is an entry in ClinVar:

NM_198721.4(COL25A1):c.780+1G>A

Gene: COL25A1 (collagen type XXV alpha 1 chain; minus strand). Cytogenetic location: 4q25.
Variant type: single nucleotide variant.
Coding change: c.780+1G>A on transcript NM_198721.4 (MANE Select); the canonical splice donor site of the intron after coding-DNA position 780, G replaced by A.
Molecular consequence: splice donor variant.
Genome position (GRCh38, 1-based): chr4:108,918,171, C>T on the plus strand (G>A on the coding strand, the complement: COL25A1 is on the minus strand). VCF-style: chr4-108918171-C-T. GRCh37 (hg19) VCF-style: chr4-109839327-C-T.
Other names: c.780+1G>A (NM_032518.4); c.768+1G>A (NM_001256074.3).
Identifiers: ClinVar variation 4849374 (VCV004849374.1).

ClinVar aggregate classification (germline): Likely pathogenic (1 of 4 stars; one submission).

Conditions:
Fibrosis of extraocular muscles, congenital, 5 (CFEOM5). Identifiers: Orphanet 233, Orphanet 91411, MedGen C4015552, MONDO:0014538, OMIM 616219.

Submission:

First Genomix Gene Laboratory, Genetic Diagnostics Department
Classification: Likely pathogenic for Fibrosis of extraocular muscles, congenital, 5. Last evaluated: 2025-07-15. Review status: criteria provided, single submitter. Criteria: ACMG Guidelines, 2015. Collection method: clinical testing. Allele origin: germline. Inheritance: Autosomal recessive inheritance. Affected: no. Observed: 1 variant allele.